The following is an entry in ClinVar:

NM_001101362.3(KBTBD13):c.958G>C (p.Val320Leu)

Gene: KBTBD13 (kelch repeat and BTB domain containing 13; plus strand). Cytogenetic location: 15q22.31.
Variant type: single nucleotide variant.
Coding change: c.958G>C on transcript NM_001101362.3 (MANE Select); coding-DNA position 958, G replaced by C.
Protein change: p.Val320Leu; replaces valine 320 with leucine.
Molecular consequence: missense variant.
Genome position (GRCh38, 1-based): chr15:65,077,773, G>C. VCF-style: chr15-65077773-G-C. GRCh37 (hg19) VCF-style: chr15-65370111-G-C.
Other names: short protein forms V320L.
Identifiers: ClinVar variation 2967782 (VCV002967782.3), dbSNP rs367648853, ClinGen allele CA392864707.

ClinVar aggregate classification (germline): Uncertain significance (1 of 4 stars; one submission).

Conditions:
Nemaline myopathy 6 (NEM6). Also called: Nemaline myopathy 6, autosomal dominant. Identifiers: Orphanet 171439, MedGen C1836472, MONDO:0012237, OMIM 609273.

gnomAD v4.1: 6 of 1,582,998 alleles (0.00038%); highest among the groups gnomAD compares: Admixed American, 0.0018%; no homozygotes.

Submission:

Labcorp Genetics (formerly Invitae), Labcorp
Classification: Uncertain significance for Nemaline myopathy 6. Last evaluated: 2024-05-06. Review status: criteria provided, single submitter. Criteria: Invitae Variant Classification Sherloc (09022015). Collection method: clinical testing. Allele origin: germline.
Comment: This sequence change replaces valine, which is neutral and non-polar, with leucine, which is neutral and non-polar, at codon 320 of the KBTBD13 protein (p.Val320Leu). This variant is present in population databases (no rsID available, gnomAD 0.003%). This variant has not been reported in the literature in individuals affected with KBTBD13-related conditions. Advanced modeling of protein sequence and biophysical properties (such as structural, functional, and spatial information, amino acid conservation, physicochemical variation, residue mobility, and thermodynamic stability) performed at Invitae indicates that this missense variant is not expected to disrupt KBTBD13 protein function with a negative predictive value of 80%. In summary, the available evidence is currently insufficient to determine the role of this variant in disease. Therefore, it has been classified as a Variant of Uncertain Significance.